The following is an entry in ClinVar:

NM_002693.3(POLG):c.104C>T (p.Pro35Leu)

Genes: POLGARF (POLG alternative reading frame; minus strand), POLG (DNA polymerase gamma, catalytic subunit; minus strand). Cytogenetic location: 15q26.1.
Variant type: single nucleotide variant.
Coding change: c.104C>T on transcript NM_002693.3 (MANE Select); coding-DNA position 104, C replaced by T.
Protein change: p.Pro35Leu; replaces proline 35 with leucine.
Molecular consequence: missense variant.
Genome position (GRCh38, 1-based): chr15:89,333,651, G>A on the plus strand (C>T on the coding strand, the complement: POLG is on the minus strand). VCF-style: chr15-89333651-G-A. GRCh37 (hg19) VCF-style: chr15-89876882-G-A.
Other names: c.104C>T, p.Pro35Leu (NM_001126131.2); short protein forms P35L.
Identifiers: ClinVar variation 1450806 (VCV001450806.6), dbSNP rs769214289, ClinGen allele CA7725206.

ClinVar aggregate classification (germline): Uncertain significance (1 of 4 stars; one submission).

Conditions:
Progressive sclerosing poliodystrophy (MTDPS4A). Also called: ALPERS PROGRESSIVE INFANTILE POLIODYSTROPHY; NEURONAL DEGENERATION OF CHILDHOOD WITH LIVER DISEASE, PROGRESSIVE; Alpers Syndrome; ALPERS DIFFUSE DEGENERATION OF CEREBRAL GRAY MATTER WITH HEPATIC CIRRHOSIS; Alpers-Huttenlocher Syndrome; Mitochondrial DNA depletion syndrome 4A (Alpers type). Identifiers: Orphanet 726, MedGen C0205710, MONDO:0008758, OMIM 203700.

Allele frequency attached by ClinVar (database versions not stated): TOPMed 0.00001; ExAC 0.00002.
gnomAD v4.1: 8 of 1,581,488 alleles (0.00051%); highest among the groups gnomAD compares: Non-Finnish European, 0.00068%; no homozygotes.

Submission:

Labcorp Genetics (formerly Invitae), Labcorp
Classification: Uncertain significance for Progressive sclerosing poliodystrophy. Last evaluated: 2025-01-27. Review status: criteria provided, single submitter. Criteria: Invitae Variant Classification Sherloc (09022015). Collection method: clinical testing. Allele origin: germline.
Comment: This sequence change replaces proline, which is neutral and non-polar, with leucine, which is neutral and non-polar, at codon 35 of the POLG protein (p.Pro35Leu). This variant is present in population databases (rs769214289, gnomAD 0.001%). This variant has not been reported in the literature in individuals affected with POLG-related conditions. ClinVar contains an entry for this variant (Variation ID: 1450806). Invitae Evidence Modeling of protein sequence and biophysical properties (such as structural, functional, and spatial information, amino acid conservation, physicochemical variation, residue mobility, and thermodynamic stability) has been performed for this missense variant. However, the output from this modeling did not meet the statistical confidence thresholds required to predict the impact of this variant on POLG protein function. In summary, the available evidence is currently insufficient to determine the role of this variant in disease. Therefore, it has been classified as a Variant of Uncertain Significance.